The following is an entry in ClinVar:

ClinVar aggregate classification (germline): Benign/Likely benign. Review status: criteria provided, multiple submitters, no conflicts (2 of 4 stars). 2 submissions from 2 submitters: Benign (1); Likely benign (1). Last evaluated 2025-09-01.

Conditions:
Hyperekplexia 1 (STHE). Also called: HYPEREKPLEXIA 1, AUTOSOMAL DOMINANT; HYPEREKPLEXIA 1, AUTOSOMAL RECESSIVE; EXAGGERATED STARTLE REACTION; KOK DISEASE; STARTLE DISEASE, FAMILIAL; STIFF-BABY SYNDROME. Identifiers: Orphanet 3197, MedGen C4551954, MONDO:0007868, OMIM 149400.
Hereditary hyperekplexia. Identifiers: Orphanet 3197, MedGen C4084968, MONDO:0021022.

Allele frequency attached by ClinVar (database versions not stated): gnomAD 0.00007 and 0.00023; TOPMed 0.00012; gnomAD exomes 0.00028 and 0.00044; ExAC 0.00035; 1000 Genomes Project 30x 0.00094; 1000 Genomes Project 0.00120.
gnomAD v4.1: 653 of 1,604,762 alleles (0.041%); highest among the groups gnomAD compares: East Asian, 1.4%; 7 homozygotes.

Submissions (2):

Labcorp Genetics (formerly Invitae), Labcorp
Classification: Likely benign for Hereditary hyperekplexia. Last evaluated: 2025-09-01. Review status: criteria provided, single submitter. Criteria: Invitae Variant Classification Sherloc (09022015). Collection method: clinical testing. Allele origin: germline.

Illumina Laboratory Services, Illumina
Classification: Benign for Hyperekplexia 1. Last evaluated: 2018-01-12. Review status: criteria provided, single submitter. Criteria: ICSL Variant Classification Criteria 13 December 2019. Collection method: clinical testing. Allele origin: germline.
Comment: This variant was observed in the ICSL laboratory as part of a predisposition screen in an ostensibly healthy population. It had not been previously curated by ICSL or reported in the Human Gene Mutation Database (HGMD: prior to June 1st, 2018), and was therefore a candidate for classification through an automated scoring system. Utilizing variant allele frequency, disease prevalence and penetrance estimates, and inheritance mode, an automated score was calculated to assess if this variant is too frequent to cause the disease. Based on the score and internal cut-off values, a variant classified as benign is not then subjected to further curation. The score for this variant resulted in a classification of benign for this disease.

NM_000171.4(GLRA1):c.23G>C (p.Arg8Pro)

Gene: GLRA1 (glycine receptor alpha 1; minus strand). Cytogenetic location: 5q33.1.
Variant type: single nucleotide variant.
Coding change: c.23G>C on transcript NM_000171.4 (MANE Select); coding-DNA position 23, G replaced by C.
Protein change: p.Arg8Pro; replaces arginine 8 with proline.
Molecular consequence: missense variant. On other transcripts: 5 prime UTR variant (1).
Genome position (GRCh38, 1-based): chr5:151,924,527, C>G on the plus strand (G>C on the coding strand, the complement: GLRA1 is on the minus strand). VCF-style: chr5-151924527-C-G. GRCh37 (hg19) VCF-style: chr5-151304088-C-G.
Other names: c.23G>C, p.Arg8Pro (NM_001146040.2); c.-99G>C (NM_001292000.2); short protein forms R8P.
Identifiers: ClinVar variation 352323 (VCV000352323.15), dbSNP rs74542605, ClinGen allele CA3523813.